The following is an entry in ClinVar:

ClinVar aggregate classification (germline): Pathogenic (1 of 4 stars; one submission).

Conditions:
Hereditary breast ovarian cancer syndrome. Also called: Hereditary breast and ovarian cancer syndrome (HBOC); Breast and ovarian cancer; BRCA1- and BRCA2-Associated Hereditary Breast and Ovarian Cancer; Hereditary breast and ovarian cancer; Hereditary breast and ovarian cancer syndrome; Hereditary breast and/or ovarian cancer syndrome. Identifiers: Orphanet 145, MedGen C0677776, MeSH D061325, MONDO:0003582. Disease mechanism: loss of function.

Submission:

Labcorp Genetics (formerly Invitae), Labcorp
Classification: Pathogenic for Hereditary breast ovarian cancer syndrome. Last evaluated: 2025-03-16. Review status: criteria provided, single submitter. Criteria: Invitae Variant Classification Sherloc (09022015). Collection method: clinical testing. Allele origin: germline.
Comment: This sequence change creates a premature translational stop signal (p.Ser1741Ilefs*36) in the BRCA2 gene. It is expected to result in an absent or disrupted protein product. Loss-of-function variants in BRCA2 are known to be pathogenic (PMID: 20104584). This variant is not present in population databases (gnomAD no frequency). This variant has not been reported in the literature in individuals affected with BRCA2-related conditions. ClinVar contains an entry for this variant (Variation ID: 1384300). For these reasons, this variant has been classified as Pathogenic.

Literature cited by the submitters: PubMed 20104584.

NM_000059.4(BRCA2):c.5222del (p.Ser1741fs)

Gene: BRCA2 (BRCA2 DNA repair associated; plus strand). Cytogenetic location: 13q13.1.
Variant type: Deletion.
Coding change: c.5222del on transcript NM_000059.4 (MANE Select); coding-DNA position 5222, one base deleted (G; older notation c.5222delG).
Protein change: p.Ser1741fs; shifts the reading frame from serine 1741.
Molecular consequence: frameshift variant.
Genome position (GRCh38, 1-based): chr13:32,339,577, G deleted. VCF-style (leftmost placement, unchanged base first): chr13-32339576-AG-A. GRCh37 (hg19) VCF-style: chr13-32913713-AG-A.
Other names: short protein forms S1741fs.
Identifiers: ClinVar variation 1384300 (VCV001384300.6), dbSNP rs2137515308, ClinGen allele CA2573149330.